The following is an entry in ClinVar:

NM_181534.4(KRT25):c.1317G>C (p.Arg439Ser)

Gene: KRT25 (keratin 25; minus strand). Cytogenetic location: 17q21.2.
Variant type: single nucleotide variant.
Coding change: c.1317G>C on transcript NM_181534.4 (MANE Select); coding-DNA position 1317, G replaced by C.
Protein change: p.Arg439Ser; replaces arginine 439 with serine.
Molecular consequence: missense variant.
Genome position (GRCh38, 1-based): chr17:40,748,313, C>G on the plus strand (G>C on the coding strand, the complement: KRT25 is on the minus strand). VCF-style: chr17-40748313-C-G. GRCh37 (hg19) VCF-style: chr17-38904565-C-G.
Other names: short protein forms R439S.
Identifiers: ClinVar variation 2192946 (VCV002192946.4), dbSNP rs764991038, ClinGen allele CA8546114.

ClinVar aggregate classification (germline): Uncertain significance (1 of 4 stars; one submission).

gnomAD v4.1: 49 of 1,612,314 alleles (0.003%); highest among the groups gnomAD compares: East Asian, 0.0067%; no homozygotes.

Submission:

Labcorp Genetics (formerly Invitae), Labcorp
Classification: Uncertain significance. Last evaluated: 2022-09-15. Review status: criteria provided, single submitter. Criteria: Invitae Variant Classification Sherloc (09022015). Collection method: clinical testing. Allele origin: germline.
Comment: This sequence change replaces arginine, which is basic and polar, with serine, which is neutral and polar, at codon 439 of the KRT25 protein (p.Arg439Ser). In summary, the available evidence is currently insufficient to determine the role of this variant in disease. Therefore, it has been classified as a Variant of Uncertain Significance. Advanced modeling of protein sequence and biophysical properties (such as structural, functional, and spatial information, amino acid conservation, physicochemical variation, residue mobility, and thermodynamic stability) performed at Invitae indicates that this missense variant is not expected to disrupt KRT25 protein function. This variant has not been reported in the literature in individuals affected with KRT25-related conditions. This variant is present in population databases (rs764991038, gnomAD 0.01%).